The following is an entry in ClinVar:

ClinVar aggregate classification (germline): Benign. Review status: criteria provided, multiple submitters, no conflicts (2 of 4 stars). 4 submissions from 4 submitters: Benign (3). 1 of the submissions does not count toward it. Last evaluated 2026-02-03.

Conditions:
GCLC-related disorder. Also called: GCLC-related condition.

Allele frequency attached by ClinVar (database versions not stated): ExAC 0.02675; gnomAD 0.02757 and 0.02913; gnomAD exomes 0.03526 and 0.02700; ESP Exome Variant Server 0.02945; 1000 Genomes Project 30x 0.01265; 1000 Genomes Project 0.01338; TOPMed 0.02470.
gnomAD v4.1: 55,217 of 1,609,212 alleles (3.4%); highest among the groups gnomAD compares: Non-Finnish European, 4%; 1,111 homozygotes.

Submissions (4):

Labcorp Genetics (formerly Invitae), Labcorp
Classification: Benign. Last evaluated: 2026-02-03. Review status: criteria provided, single submitter. Criteria: Invitae Variant Classification Sherloc (09022015). Collection method: clinical testing. Allele origin: germline.

ARUP Laboratories, Molecular Genetics and Genomics, ARUP Laboratories
Classification: Benign. Last evaluated: 2025-07-17. Review status: criteria provided, single submitter. Criteria: ARUP Molecular Germline Variant Investigation Process 2024. Collection method: clinical testing. Allele origin: germline.

Mayo Clinic Laboratories, Mayo Clinic
Classification: Benign. Last evaluated: 2022-05-17. Review status: criteria provided, single submitter. Criteria: ACMG Guidelines, 2015. Collection method: clinical testing. Allele origin: germline. Observed: 108 variant alleles.
Comment: BS1, BS2

PreventionGenetics, part of Exact Sciences
Classification: Benign for GCLC-related condition. Last evaluated: 2019-07-08. Review status: no assertion criteria provided. Collection method: clinical testing. Allele origin: germline. Not counted in ClinVar's aggregate classification.
Comment: This variant is classified as benign based on ACMG/AMP sequence variant interpretation guidelines (Richards et al. 2015 PMID: 25741868, with internal and published modifications).

NM_001498.4(GCLC):c.234G>T (p.Leu78=)

Gene: GCLC (glutamate-cysteine ligase catalytic subunit; minus strand). Cytogenetic location: 6p12.1.
Variant type: single nucleotide variant.
Coding change: c.234G>T on transcript NM_001498.4 (MANE Select); coding-DNA position 234, G replaced by T.
Protein change: p.Leu78=; no amino-acid change (leucine 78 retained).
Molecular consequence: synonymous variant.
Genome position (GRCh38, 1-based): chr6:53,522,444, C>A on the plus strand (G>T on the coding strand, the complement: GCLC is on the minus strand). VCF-style: chr6-53522444-C-A. GRCh37 (hg19) VCF-style: chr6-53387242-C-A.
Other names: p.Leu78=; c.234G>T, p.Leu78= (NM_001197115.2); c.234G>T (NM_001498.3).
Identifiers: ClinVar variation 993340 (VCV000993340.26), dbSNP rs2066508, ClinGen allele CA3860415.